The following is an entry in ClinVar:

NM_002528.7(NTHL1):c.906G>C (p.Gln302His)

Gene: NTHL1 (nth like DNA glycosylase 1; minus strand). Cytogenetic location: 16p13.3.
Variant type: single nucleotide variant.
Coding change: c.906G>C on transcript NM_002528.7 (MANE Select); coding-DNA position 906, G replaced by C.
Protein change: p.Gln302His; replaces glutamine 302 with histidine.
Molecular consequence: missense variant.
Genome position (GRCh38, 1-based): chr16:2,039,933, C>G on the plus strand (G>C on the coding strand, the complement: NTHL1 is on the minus strand). VCF-style: chr16-2039933-C-G. GRCh37 (hg19) VCF-style: chr16-2089934-C-G.
Other names: c.930G>C (NM_002528.5); c.735G>C, p.Gln245His (NM_001318193.2); c.576G>C, p.Gln192His (NM_001318194.2); short protein forms Q245H, Q302H, Q192H.
Identifiers: ClinVar variation 1046994 (VCV001046994.9), dbSNP rs1218521260, ClinGen allele CA394286953.

ClinVar aggregate classification (germline): Uncertain significance. Review status: criteria provided, multiple submitters, no conflicts (2 of 4 stars). 2 submissions from 2 submitters: Uncertain significance (2). Last evaluated 2026-07-27.

Conditions:
Hereditary cancer-predisposing syndrome. Also called: Tumor predisposition; Hereditary Cancer Syndrome; Hereditary neoplastic syndrome; Neoplastic Syndromes, Hereditary. Identifiers: Orphanet 140162, MedGen C0027672, MeSH D009386, MONDO:0015356.

Submissions (2):

Ambry Genetics
Classification: Uncertain significance for Hereditary cancer-predisposing syndrome. Last evaluated: 2026-07-27. Review status: criteria provided, single submitter. Criteria: Ambry Variant Classification Scheme 2023. Collection method: clinical testing. Allele origin: germline.
Comment: The p.Q310H variant (also known as c.930G>C), located in coding exon 6 of the NTHL1 gene, results from a G to C substitution at nucleotide position 930. The glutamine at codon 310 is replaced by histidine, an amino acid with highly similar properties. This amino acid position is conserved. In addition, this alteration is predicted to be tolerated by in silico analysis. Based on the available evidence, the clinical significance of this variant remains unclear.

Labcorp Genetics (formerly Invitae), Labcorp
Classification: Uncertain significance. Last evaluated: 2024-10-01. Review status: criteria provided, single submitter. Criteria: Invitae Variant Classification Sherloc (09022015). Collection method: clinical testing. Allele origin: germline.
Comment: This sequence change replaces glutamine, which is neutral and polar, with histidine, which is basic and polar, at codon 310 of the NTHL1 protein (p.Gln310His). This variant is not present in population databases (gnomAD no frequency). This variant has not been reported in the literature in individuals affected with NTHL1-related conditions. ClinVar contains an entry for this variant (Variation ID: 1046994). An algorithm developed to predict the effect of missense changes on protein structure and function outputs the following: PolyPhen-2: "Benign". The histidine amino acid residue is found in multiple mammalian species, which suggests that this missense change does not adversely affect protein function. In summary, the available evidence is currently insufficient to determine the role of this variant in disease. Therefore, it has been classified as a Variant of Uncertain Significance.